The following is an entry in ClinVar:

NM_001042492.3(NF1):c.5510_5518del (p.Asp1837_Pro1840delinsAla)

Gene: NF1 (neurofibromin 1; plus strand). Cytogenetic location: 17q11.2.
Variant type: Deletion.
Coding change: c.5510_5518del on transcript NM_001042492.3 (MANE Select); coding-DNA positions 5510 to 5518, 9 bases deleted (ACTCTATCC; older notation c.5510_5518delACTCTATCC).
Protein change: p.Asp1837_Pro1840delinsAla.
Molecular consequence: inframe indel.
Genome position (GRCh38, 1-based): chr17:31,327,740-31,327,748, ACTCTATCC deleted. VCF-style (leftmost placement, unchanged base first): chr17-31327739-GACTCTATCC-G. GRCh37 (hg19) VCF-style: chr17-29654757-GACTCTATCC-G.
Other names: c.5447_5455delACTCTATCC, p.Asp1816_Pro1819delinsAla (NM_000267.4).
Identifiers: ClinVar variation 233759 (VCV000233759.3), dbSNP rs876660622, ClinGen allele CA10580350.

ClinVar aggregate classification (germline): Uncertain significance (1 of 4 stars; one submission).

Conditions:
Hereditary cancer-predisposing syndrome. Also called: Neoplastic Syndromes, Hereditary; Tumor predisposition; Hereditary Cancer Syndrome; Hereditary neoplastic syndrome. Identifiers: Orphanet 140162, MedGen C0027672, MeSH D009386, MONDO:0015356.

Submission:

Ambry Genetics
Classification: Uncertain significance for Hereditary cancer-predisposing syndrome. Last evaluated: 2015-08-24. Review status: criteria provided, single submitter. Criteria: Ambry Autosomal Dominant and X-Linked criteria (10/2015). Collection method: clinical testing. Allele origin: germline. Observed: 1 variant allele.
Comment: Thec.5510_5518delACTCTATCCvariant (also known as p.D1837_P1840delinsA and c.5447_5455delACTCTATCC) is located in coding exon 38 of theNF1gene. This variant results from aACTCTATCC deletion of between nucleotide positions 5510 and 5518. This results in the deletion of fourresidues (aspartic acid, serine, isoleucine, and proline) between codons 1837and 1840 and an insertion of an alanine residue. This variant was not reported in population based cohorts in the following databases: Database of Single NucleotidePolymorphisms(dbSNP), NHLBI Exome Sequencing Project (ESP), and 1000 Genomes Project. In the ESP, this variant was not observed in 6503 samples (13006 alleles) with coverage at this position. To date, this alteration has been detected with an allele frequency of approximately 0.002% (greater than 55000 alleles tested) in our clinical cohort. The deleted amino acid positionsare highly conserved in available vertebrate species.Since supporting evidence is limited at this time, the clinical significance of c.5510_5518delACTCTATCC remains unclear.